The following is an entry in ClinVar:

NM_000629.3(IFNAR1):c.817C>A (p.His273Asn)

Gene: IFNAR1 (interferon alpha and beta receptor subunit 1; plus strand). Cytogenetic location: 21q22.11.
Variant type: single nucleotide variant.
Coding change: c.817C>A on transcript NM_000629.3 (MANE Select); coding-DNA position 817, C replaced by A.
Protein change: p.His273Asn; replaces histidine 273 with asparagine.
Molecular consequence: missense variant.
Genome position (GRCh38, 1-based): chr21:33,349,119, C>A. VCF-style: chr21-33349119-C-A. GRCh37 (hg19) VCF-style: chr21-34721425-C-A.
Other names: c.817C>A, p.His273Asn (NM_001384498.1, NM_001384499.1, NM_001384503.1); c.55C>A, p.His19Asn (NM_001384500.1); c.802C>A, p.His268Asn (NM_001384501.1); c.355C>A, p.His119Asn (NM_001384502.1); c.610C>A, p.His204Asn (NM_001384504.1); short protein forms H119N, H19N, H273N, H268N, H204N.
Identifiers: ClinVar variation 1520798 (VCV001520798.8), dbSNP rs556334312, ClinGen allele CA10006600.

ClinVar aggregate classification (germline): Uncertain significance (1 of 4 stars; one submission).

Allele frequency attached by ClinVar (database versions not stated): gnomAD exomes below 0.00001 and 0.00001; ExAC 0.00001; gnomAD 0.00001; 1000 Genomes Project 30x 0.00016; 1000 Genomes Project 0.00020.

Submission:

Labcorp Genetics (formerly Invitae), Labcorp
Classification: Uncertain significance. Last evaluated: 2022-12-03. Review status: criteria provided, single submitter. Criteria: Invitae Variant Classification Sherloc (09022015). Collection method: clinical testing. Allele origin: germline.
Comment: In summary, the available evidence is currently insufficient to determine the role of this variant in disease. Therefore, it has been classified as a Variant of Uncertain Significance. Algorithms developed to predict the effect of missense changes on protein structure and function output the following: SIFT: "Tolerated"; PolyPhen-2: "Benign"; Align-GVGD: "Class C0". The asparagine amino acid residue is found in multiple mammalian species, which suggests that this missense change does not adversely affect protein function. ClinVar contains an entry for this variant (Variation ID: 1520798). This variant has not been reported in the literature in individuals affected with IFNAR1-related conditions. This variant is present in population databases (rs556334312, gnomAD 0.006%). This sequence change replaces histidine, which is basic and polar, with asparagine, which is neutral and polar, at codon 273 of the IFNAR1 protein (p.His273Asn).